The following is an entry in ClinVar:

ClinVar aggregate classification (germline): Uncertain significance (1 of 4 stars; one submission).

Conditions:
Hereditary cancer-predisposing syndrome. Also called: Hereditary neoplastic syndrome; Neoplastic Syndromes, Hereditary; Tumor predisposition; Hereditary Cancer Syndrome. Identifiers: Orphanet 140162, MedGen C0027672, MeSH D009386, MONDO:0015356.

Submission:

Ambry Genetics
Classification: Uncertain significance for Hereditary cancer-predisposing syndrome. Last evaluated: 2025-01-11. Review status: criteria provided, single submitter. Criteria: Ambry Variant Classification Scheme 2023. Collection method: clinical testing. Allele origin: germline.
Comment: The p.G877A variant (also known as c.2630G>C), located in coding exon 16 of the CDH1 gene, results from a G to C substitution at nucleotide position 2630. The glycine at codon 877 is replaced by alanine, an amino acid with similar properties. This amino acid position is conserved. In addition, the in silico prediction for this alteration is inconclusive. Based on the available evidence, the clinical significance of this variant remains unclear.

NM_004360.5(CDH1):c.2630G>C (p.Gly877Ala)

Gene: CDH1 (cadherin 1; plus strand). Cytogenetic location: 16q22.1.
Variant type: single nucleotide variant.
Coding change: c.2630G>C on transcript NM_004360.5 (MANE Select); coding-DNA position 2630, G replaced by C.
Protein change: p.Gly877Ala; replaces glycine 877 with alanine.
Molecular consequence: missense variant.
Genome position (GRCh38, 1-based): chr16:68,833,480, G>C. VCF-style: chr16-68833480-G-C. GRCh37 (hg19) VCF-style: chr16-68867383-G-C.
Other names: c.2447G>C, p.Gly816Ala (NM_001317184.2); c.1082G>C, p.Gly361Ala (NM_001317185.2); c.665G>C, p.Gly222Ala (NM_001317186.2); short protein forms G877A, G816A, G222A, G361A.
Identifiers: ClinVar variation 3829985 (VCV003829985.1).
Genomic context (GRCh38, chr16:68,833,480, plus strand): 5'-AGGACTATGACTACTTGAACGAATGGGGCAATCGCTTCAAGAAGCTGGCTGACATGTACG[G>C]AGGCGGCGAGGACGACTAGGGGACTCGAGAGAGGCGGGCCCCAGACCCATGTGCTGGGAA-3'
Protein context (NP_004351.1, residues 867-882): NRFKKLADMY[Gly877Ala]GGEDD